The following is an entry in ClinVar:

NM_000257.4(MYH7):c.4864C>T (p.Leu1622Phe)

Genes: MHRT (myosin heavy chain associated RNA transcript; plus strand), MYH7 (myosin heavy chain 7; minus strand), LOC126861897 (BRD4-independent group 4 enhancer GRCh37_chr14:23884455-23885654; plus strand). Cytogenetic location: 14q11.2.
Variant type: single nucleotide variant.
Coding change: c.4864C>T on transcript NM_000257.4 (MANE Select); coding-DNA position 4864, C replaced by T.
Protein change: p.Leu1622Phe; replaces leucine 1622 with phenylalanine.
Molecular consequence: missense variant. On other transcripts: non-coding transcript variant (1).
Genome position (GRCh38, 1-based): chr14:23,416,093, G>A on the plus strand (C>T on the coding strand, the complement: MYH7 is on the minus strand). VCF-style: chr14-23416093-G-A. GRCh37 (hg19) VCF-style: chr14-23885302-G-A.
Other names: p.L1622F:CTC>TTC; short protein forms L1622F.
Identifiers: ClinVar variation 43042 (VCV000043042.24), dbSNP rs397516231, ClinGen allele CA015424.
Genomic context (GRCh38, chr14:23,416,093, plus strand): 5'-GCTTCTGGGCCTCGGCGGCCATGCGGTTGGCGTGGCTGAGCTGGATCTCCATCTCATTGA[G>A]GTCTCCTTCCATCTTCTTCTTCACCCTCAGGGCCTCGTTGCGGCTGCGTGTCTCTGCGTC-3'
Protein context (NP_000248.2, residues 1612-1632): LRVKKKMEGD[Leu1622Phe]NEMEIQLSHA

ClinVar aggregate classification (germline): Uncertain significance. Review status: criteria provided, multiple submitters, no conflicts (2 of 4 stars). 6 submissions from 6 submitters: Uncertain significance (6). Last evaluated 2026-02-01.

Conditions:
MYH7-related disorder. Also called: MYH7-related condition; MYH7-related disease; MYH7-related disorders.
Cardiovascular phenotype. Identifiers: MedGen CN230736.
Cardiomyopathy (CMYO). Also called: Cardiomyopathies. Identifiers: Orphanet 167848, MedGen C0878544, MONDO:0004994, HP:0001638. Inheritance: Various modes of inheritance.
Hypertrophic cardiomyopathy. Also called: HYPERTROPHIC MYOCARDIOPATHY. Identifiers: Orphanet 217569, MedGen C0007194, MeSH D002312, MONDO:0005045, HP:0001639.

Allele frequency attached by ClinVar (database versions not stated): gnomAD exomes below 0.00001; gnomAD 0.00001; TOPMed 0.00001.
gnomAD v4.1: 7 of 1,614,098 alleles (0.00043%); highest among the groups gnomAD compares: African/African-American, 0.008%; no homozygotes.

Submissions (6):

Labcorp Genetics (formerly Invitae), Labcorp
Classification: Uncertain significance for Hypertrophic cardiomyopathy. Last evaluated: 2026-02-01. Review status: criteria provided, single submitter. Criteria: Invitae Variant Classification Sherloc (09022015). Collection method: clinical testing. Allele origin: germline.
Comment: This sequence change replaces leucine, which is neutral and non-polar, with phenylalanine, which is neutral and non-polar, at codon 1622 of the MYH7 protein (p.Leu1622Phe). This variant is present in population databases (rs397516231, gnomAD 0.006%). This missense change has been observed in individual(s) with hypertrophic cardiomyopathy (PMID: 27247418, 27532257, 37652022). ClinVar contains an entry for this variant (Variation ID: 43042). Invitae Evidence Modeling of protein sequence and biophysical properties (such as structural, functional, and spatial information, amino acid conservation, physicochemical variation, residue mobility, and thermodynamic stability) indicates that this missense variant is expected to disrupt MYH7 protein function with a positive predictive value of 95%. In summary, the available evidence is currently insufficient to determine the role of this variant in disease. Therefore, it has been classified as a Variant of Uncertain Significance.

PreventionGenetics, part of Exact Sciences
Classification: Uncertain significance for MYH7-related condition. Last evaluated: 2026-01-28. Review status: criteria provided, single submitter. Criteria: ACMG Guidelines, 2015. Collection method: clinical testing. Allele origin: germline.
Comment: The MYH7 c.4864C>T variant is predicted to result in the amino acid substitution p.Leu1622Phe. This variant was reported in individuals from hypertrophic cardiomyopathy (HCM) cohorts (Supplementary File 1 in Homburger et al. 2016. PubMed ID: 27247418; Table S1B in Walsh et al. 2016. PubMed ID: 27532257; Table S8 in McGurk et al. 2023. PubMed ID: 37652022) and has also been found in carriers without HCM (Table S6 in Park et al. 2022. PubMed ID: 34542152). This variant is reported in 0.0054% of alleles in individuals of East Asian descent in gnomAD. At this time, the clinical significance of this variant is uncertain due to the absence of conclusive functional and genetic evidence.

Color Diagnostics, LLC DBA Color Health
Classification: Uncertain significance for Cardiomyopathy. Last evaluated: 2025-07-20. Review status: criteria provided, single submitter. Criteria: ACMG Guidelines, 2015. Collection method: clinical testing. Allele origin: germline.
Comment: This missense variant replaces leucine with phenylalanine at codon 1622 of the MYH7 protein. Computational prediction suggests that this variant may have a deleterious impact on protein structure and function. To our knowledge, functional studies have not been reported for this variant. This variant has been reported in two individuals affected with hypertrophic cardiomyopathy (PMID: 27532257, 30297972, 37652022). This variant has been identified in 1/251490 chromosomes in the general population by the Genome Aggregation Database (gnomAD). The available evidence is insufficient to determine the role of this variant in disease conclusively. Therefore, this variant is classified as a Variant of Uncertain Significance.

GeneDx
Classification: Uncertain significance. Last evaluated: 2024-06-11. Review status: criteria provided, single submitter. Criteria: GeneDx Variant Classification Process June 2021. Collection method: clinical testing. Allele origin: germline. Affected: yes.
Comment: Identified in patients with HCM in published literature (PMID: 27247418, 27532257, 37652022); Not observed at a significant frequency in large population cohorts (gnomAD); In silico analysis supports that this missense variant has a deleterious effect on protein structure/function; This variant is associated with the following publications: (PMID: 27247418, 37652022, 34542152, 27532257)

Ambry Genetics
Classification: Uncertain significance for Cardiovascular phenotype. Last evaluated: 2016-11-23. Review status: criteria provided, single submitter. Criteria: Ambry Variant Classification Scheme 2023. Collection method: clinical testing. Allele origin: germline.

Laboratory for Molecular Medicine, Mass General Brigham Personalized Medicine
Classification: Uncertain significance. Last evaluated: 2014-01-20. Review status: criteria provided, single submitter. Criteria: LMM Criteria. Collection method: clinical testing. Allele origin: germline. Observed: 1 variant allele.
Comment: proposed classification - variant undergoing re-assessment, contact laboratory

Literature cited by the submitters: PubMed 27247418 (cited by Labcorp Genetics (formerly Invitae), Labcorp); PubMed 27532257 (cited by Labcorp Genetics (formerly Invitae), Labcorp and Color Diagnostics, LLC DBA Color Health); PubMed 37652022 (cited by Labcorp Genetics (formerly Invitae), Labcorp and Color Diagnostics, LLC DBA Color Health); PubMed 30297972 (cited by Color Diagnostics, LLC DBA Color Health).